The following is an entry in ClinVar:

ClinVar aggregate classification (germline): Uncertain significance (1 of 4 stars; one submission).

Conditions:
Familial cancer of breast. Also called: hereditary breast carcinoma; BREAST CANCER, FAMILIAL; Hereditary breast cancer. Identifiers: Orphanet 227535, MedGen C0346153, MONDO:0016419, OMIM 114480. Disease mechanism: loss of function.

Submission:

Labcorp Genetics (formerly Invitae), Labcorp
Classification: Uncertain significance for Familial cancer of breast. Last evaluated: 2023-02-25. Review status: criteria provided, single submitter. Criteria: Invitae Variant Classification Sherloc (09022015). Collection method: clinical testing. Allele origin: germline.
Comment: This variant has not been reported in the literature in individuals affected with CHEK2-related conditions. This sequence change falls in intron 7 of the CHEK2 gene. It does not directly change the encoded amino acid sequence of the CHEK2 protein. This variant is not present in population databases (gnomAD no frequency). Algorithms developed to predict the effect of sequence changes on RNA splicing suggest that this variant may disrupt the consensus splice site. In summary, the available evidence is currently insufficient to determine the role of this variant in disease. Therefore, it has been classified as a Variant of Uncertain Significance.

NM_007194.4(CHEK2):c.847-14_847-13insGAA

Gene: CHEK2 (checkpoint kinase 2; minus strand). Cytogenetic location: 22q12.1.
Variant type: Insertion.
Coding change: c.847-14_847-13insGAA on transcript NM_007194.4 (MANE Select); 14 bases into the intron before coding-DNA position 847 through 13 bases into the intron before coding-DNA position 847, GAA inserted.
Molecular consequence: intron variant.
Genome position: GRCh38 VCF-style: chr22-28703579-G-GTTC. GRCh37 (hg19) VCF-style: chr22-29099567-G-GTTC.
Other names: c.184-14_184-13insGAA (NM_001437942.1, NM_001257387.3); c.646-14_646-13insGAA (NM_001349956.3); c.847-14_847-13insGAA (NM_145862.3); c.940-14_940-13insGAA (NM_001438295.1, NM_001438293.1); c.976-14_976-13insGAA (NM_001438294.1, NM_001005735.3).
Identifiers: ClinVar variation 2840662 (VCV002840662.3), dbSNP rs2517888247, ClinGen allele CA2739265681.
Genomic context (GRCh38, chr22:28,703,579, plus strand): 5'-ATAATAATCTTCTGCATCAAAAAAGTTTTTAATCTTGATGATGCAAGGCTAAGAAGAGGG[G>GTTC]GAGAAAAAAGGGAAAGTAGTGAGAAACTCCCAAGAGGAAAACCACAAGAGCTTAGAACAT-3'